The following is an entry in ClinVar:

NM_005219.5(DIAPH1):c.947A>G (p.Gln316Arg)

Gene: DIAPH1 (diaphanous related formin 1; minus strand). Cytogenetic location: 5q31.3.
Variant type: single nucleotide variant.
Coding change: c.947A>G on transcript NM_005219.5 (MANE Select); coding-DNA position 947, A replaced by G.
Protein change: p.Gln316Arg; replaces glutamine 316 with arginine.
Molecular consequence: missense variant.
Genome position (GRCh38, 1-based): chr5:141,578,612, T>C on the plus strand (A>G on the coding strand, the complement: DIAPH1 is on the minus strand). VCF-style: chr5-141578612-T-C. GRCh37 (hg19) VCF-style: chr5-140958179-T-C.
Other names: c.920A>G, p.Gln307Arg (NM_001079812.3); c.947A>G, p.Gln316Arg (NM_001314007.2); short protein forms Q307R, Q316R.
Identifiers: ClinVar variation 5006848 (VCV005006848.2).
Genomic context (GRCh38, chr5:141,578,612, plus strand): 5'-CTTCTGATGTGAACTCGGAAGTCAAGTTCCTCCGCTGGTGTGATGAGAGCATTGATCAGC[T>C]GTAGGCATCCAACCTAAAATAAGAAAATTCAGCAGCTATGTCAATGCTAACTCCTGGAGA-3'
Protein context (NP_005210.3, residues 306-326): TTIALKVGCL[Gln316Arg]LINALITPAE

ClinVar aggregate classification (germline): Uncertain significance (1 of 4 stars; one submission).

Conditions:
Progressive microcephaly-seizures-cortical blindness-developmental delay syndrome. Also called: Seizures, cortical blindness, and microcephaly syndrome. Identifiers: Orphanet 477814, MedGen C5567650, MONDO:0014714, OMIM 616632.
Autosomal dominant nonsyndromic hearing loss 1. Also called: KONIGSMARK SYNDROME; DEAFNESS, AUTOSOMAL DOMINANT 1, WITH OR WITHOUT THROMBOCYTOPENIA. Identifiers: Orphanet 90635, MedGen C1852282, MONDO:0007424, OMIM 124900.

Submission:

Juno Genomics, Hangzhou Juno Genomics, Inc
Classification: Uncertain significance for Autosomal dominant nonsyndromic hearing loss 1; Progressive microcephaly-seizures-cortical blindness-developmental delay syndrome. Review status: criteria provided, single submitter. Criteria: ACMG Guidelines, 2015. Collection method: clinical testing. Allele origin: germline.
Comment: Absent from controls (or at extremely low frequency if recessive) in Genome Aggregation Database.;Multiple lines of computational evidence support a deleterious effect on the gene or gene product.